The following is an entry in ClinVar:

NM_001288705.3(CSF1R):c.1778T>G (p.Phe593Cys)

Gene: CSF1R (colony stimulating factor 1 receptor; minus strand). Cytogenetic location: 5q32.
Variant type: single nucleotide variant.
Coding change: c.1778T>G on transcript NM_001288705.3 (MANE Select); coding-DNA position 1778, T replaced by G.
Protein change: p.Phe593Cys; replaces phenylalanine 593 with cysteine.
Molecular consequence: missense variant. On other transcripts: non-coding transcript variant (2).
Genome position (GRCh38, 1-based): chr5:150,061,571, A>C on the plus strand (T>G on the coding strand, the complement: CSF1R is on the minus strand). VCF-style: chr5-150061571-A-C. GRCh37 (hg19) VCF-style: chr5-149441134-A-C.
Other names: c.1778T>G, p.Phe593Cys (NM_001349736.2, NM_001375320.1, NM_005211.4); c.1334T>G, p.Phe445Cys (NM_001375321.1); short protein forms F445C, F593C.
Identifiers: ClinVar variation 4278654 (VCV004278654.1).

ClinVar aggregate classification (germline): Uncertain significance (1 of 4 stars; one submission).

Submission:

GeneDx
Classification: Uncertain significance. Last evaluated: 2025-04-01. Review status: criteria provided, single submitter. Criteria: GeneDx Variant Classification Process June 2021. Collection method: clinical testing. Allele origin: germline. Affected: yes.
Comment: Not observed at significant frequency in large population cohorts (gnomAD); In silico analysis supports that this missense variant has a deleterious effect on protein structure/function; Has not been previously published as pathogenic or benign to our knowledge